The following is an entry in ClinVar:

ClinVar aggregate classification (germline): Uncertain significance (1 of 4 stars; one submission).

gnomAD v4.1: 10 of 1,614,102 alleles (0.00062%); highest among the groups gnomAD compares: African/African-American, 0.012%; no homozygotes.

Submission:

Women's Health and Genetics/Laboratory Corporation of America, LabCorp
Classification: Uncertain significance. Last evaluated: 2026-05-20. Review status: criteria provided, single submitter. Criteria: LabCorp Variant Classification Summary - May 2015. Collection method: clinical testing. Allele origin: germline.
Comment: Variant summary: TECPR2 c.2642T>C (p.Ile881Thr) results in a non-conservative amino acid change in the encoded protein sequence. Algorithms developed to predict the effect of missense changes on protein structure and function are either unavailable or do not agree on the potential impact of this missense change. The variant allele was found at a frequency of 8e-06 in 251476 control chromosomes. The available data on variant occurrences in the general population are insufficient to allow any conclusion about variant significance. To our knowledge, no occurrence of c.2642T>C in individuals affected with TECPR2-related conditions and no experimental evidence demonstrating its impact on protein function have been reported. No submitters have cited clinical-significance assessments for this variant to ClinVar. Based on the evidence outlined above, the variant was classified as uncertain significance.

NM_014844.5(TECPR2):c.2642T>C (p.Ile881Thr)

Gene: TECPR2 (tectonin beta-propeller repeat containing 2; plus strand). Cytogenetic location: 14q32.31.
Variant type: single nucleotide variant.
Coding change: c.2642T>C on transcript NM_014844.5 (MANE Select); coding-DNA position 2642, T replaced by C.
Protein change: p.Ile881Thr; replaces isoleucine 881 with threonine.
Molecular consequence: missense variant.
Genome position (GRCh38, 1-based): chr14:102,440,499, T>C. VCF-style: chr14-102440499-T-C. GRCh37 (hg19) VCF-style: chr14-102906836-T-C.
Other names: c.2642T>C, p.Ile881Thr (NM_001172631.3); short protein forms I881T.
Identifiers: ClinVar variation 4853764 (VCV004853764.1).